The following is an entry in ClinVar:

NM_000404.4(GLB1):c.1696C>T (p.Pro566Ser)

Gene: GLB1 (galactosidase beta 1; minus strand). Cytogenetic location: 3p22.3.
Variant type: single nucleotide variant.
Coding change: c.1696C>T on transcript NM_000404.4 (MANE Select); coding-DNA position 1696, C replaced by T.
Protein change: p.Pro566Ser; replaces proline 566 with serine.
Molecular consequence: missense variant.
Genome position (GRCh38, 1-based): chr3:33,014,094, G>A on the plus strand (C>T on the coding strand, the complement: GLB1 is on the minus strand). VCF-style: chr3-33014094-G-A. GRCh37 (hg19) VCF-style: chr3-33055586-G-A.
Other names: c.1606C>T, p.Pro536Ser (NM_001079811.3); c.1303C>T, p.Pro435Ser (NM_001135602.3); c.1840C>T, p.Pro614Ser (NM_001317040.2); c.1696C>T, p.Pro566Ser (NM_001393580.1); short protein forms P566S, P536S, P435S, P614S.
Identifiers: ClinVar variation 393276 (VCV000393276.2), dbSNP rs1057524868, ClinGen allele CA16604872.
Genomic context (GRCh38, chr3:33,014,094, plus strand): 5'-CCCTTCCCATGAAGACACGTACCTTGGTCCATCCAGGAAACTGGATAAAGGTGTCCTGGG[G>A]CAAGTCTGGGATCCCACTGGGAATGGAGAAGTTCCCCATATAAAAGGCCGGGAGCGTGTA-3'
Protein context (NP_000395.3, residues 556-576): FSIPSGIPDL[Pro566Ser]QDTFIQFPGW

ClinVar aggregate classification (germline): Likely pathogenic (1 of 4 stars; one submission).

Submission:

GeneDx
Classification: Likely pathogenic. Last evaluated: 2017-02-02. Review status: criteria provided, single submitter. Criteria: GeneDx Variant Classification (06012015). Collection method: clinical testing. Allele origin: germline. Affected: yes.
Comment: The P566S variant in the GLB1 gene has not been reported previously as a pathogenic variant, nor as a benign variant, to our knowledge. The P566S variant is not observed in large population cohorts (Lek et al., 2016; 1000 Genomes Consortium et al., 2015; Exome Variant Server). The P566S variant is a non-conservative amino acid substitution, which is likely to impact secondary protein structure as these residues differ in polarity, charge, size and/or other properties. This substitution occurs at a position that is conserved across species. In silico analysis predicts this variant is probably damaging to the protein structure/function. Therefore, we interpret P566S as a likely pathogenic variant.